The following is an entry in ClinVar:

NM_001206744.2(TPO):c.834C>T (p.Ala278=)

Gene: TPO (thyroid peroxidase; plus strand). Cytogenetic location: 2p25.3.
Variant type: single nucleotide variant.
Coding change: c.834C>T on transcript NM_001206744.2 (MANE Select); coding-DNA position 834, C replaced by T.
Protein change: p.Ala278=; no amino-acid change (alanine 278 retained).
Molecular consequence: synonymous variant. On other transcripts: intron variant (1).
Genome position (GRCh38, 1-based): chr2:1,477,100, C>T. VCF-style: chr2-1477100-C-T. GRCh37 (hg19) VCF-style: chr2-1480872-C-T.
Other names: c.834C>T, p.Ala278= (NM_000547.6, NM_001206745.2, NM_175719.4 and 1 more transcripts); c.820-7496C>T (NM_175722.3).
Identifiers: ClinVar variation 2650605 (VCV002650605.27), dbSNP rs773103037, ClinGen allele CA1511598.

ClinVar aggregate classification (germline): Likely benign. Review status: criteria provided, multiple submitters, no conflicts (2 of 4 stars). 2 submissions from 2 submitters: Likely benign (2). Last evaluated 2026-01-25.

Allele frequency attached by ClinVar (database versions not stated): ExAC 0.00002; TOPMed 0.00002.
gnomAD v4.1: 10 of 1,605,016 alleles (0.00062%); highest among the groups gnomAD compares: African/African-American, 0.011%; no homozygotes.

Submissions (2):

Labcorp Genetics (formerly Invitae), Labcorp
Classification: Likely benign. Last evaluated: 2026-01-25. Review status: criteria provided, single submitter. Criteria: Invitae Variant Classification Sherloc (09022015). Collection method: clinical testing. Allele origin: germline.

CeGaT Center for Human Genetics Tuebingen
Classification: Likely benign. Last evaluated: 2023-02-01. Review status: criteria provided, single submitter. Criteria: CeGaT Center For Human Genetics Tuebingen Variant Classification Criteria Version 2. Collection method: clinical testing. Allele origin: germline. Affected: yes. Observed: 1 variant allele.
Comment: TPO: BP4, BP7